The following is an entry in ClinVar:

NM_015331.3(NCSTN):c.418T>G (p.Cys140Gly)

Gene: NCSTN (nicastrin; plus strand). Cytogenetic location: 1q23.2.
Variant type: single nucleotide variant.
Coding change: c.418T>G on transcript NM_015331.3 (MANE Select); coding-DNA position 418, T replaced by G.
Protein change: p.Cys140Gly; replaces cysteine 140 with glycine.
Molecular consequence: missense variant.
Genome position (GRCh38, 1-based): chr1:160,349,652, T>G. VCF-style: chr1-160349652-T-G. GRCh37 (hg19) VCF-style: chr1-160319442-T-G.
Other names: c.358T>G, p.Cys120Gly (NM_001290184.2); c.418T>G, p.Cys140Gly (NM_001290186.2, NM_001349729.2); short protein forms C120G, C140G.
Identifiers: ClinVar variation 1957310 (VCV001957310.5), dbSNP rs746948463, ClinGen allele CA1198697.
Genomic context (GRCh38, chr1:160,349,652, plus strand): 5'-GGTCTTGCAGTGTCCTTGACCAAGCCCAGTCCTGCCTCAGGCTTCTCTCCTAGTGTACAG[T>G]GCCCAAATGATGGGTTTGGTAAGTGTCCCAAAGGATCAGGAGAGCCTACTGTCACCTAAG-3'
Protein context (NP_056146.1, residues 130-150): PASGFSPSVQ[Cys140Gly]PNDGFGVYSN

ClinVar aggregate classification (germline): Uncertain significance (1 of 4 stars; one submission).

Allele frequency attached by ClinVar (database versions not stated): TOPMed 0.00001; ExAC 0.00001; gnomAD 0.00002.
gnomAD v4.1: 4 of 1,613,924 alleles (0.00025%); highest among the groups gnomAD compares: Admixed American, 0.0067%; no homozygotes.

Submission:

Labcorp Genetics (formerly Invitae), Labcorp
Classification: Uncertain significance. Last evaluated: 2025-06-22. Review status: criteria provided, single submitter. Criteria: Invitae Variant Classification Sherloc (09022015). Collection method: clinical testing. Allele origin: germline.
Comment: This sequence change replaces cysteine, which is neutral and slightly polar, with glycine, which is neutral and non-polar, at codon 140 of the NCSTN protein (p.Cys140Gly). This variant is present in population databases (rs746948463, gnomAD 0.006%). This variant has not been reported in the literature in individuals affected with NCSTN-related conditions. ClinVar contains an entry for this variant (Variation ID: 1957310). Invitae Evidence Modeling of protein sequence and biophysical properties (such as structural, functional, and spatial information, amino acid conservation, physicochemical variation, residue mobility, and thermodynamic stability) indicates that this missense variant is expected to disrupt NCSTN protein function with a positive predictive value of 80%. In summary, the available evidence is currently insufficient to determine the role of this variant in disease. Therefore, it has been classified as a Variant of Uncertain Significance.